The following is an entry in ClinVar:

ClinVar aggregate classification (germline): Pathogenic (1 of 4 stars; one submission).

Conditions:
Diastrophic dysplasia (DTD). Also called: Diastrophic dwarfism. Identifiers: Orphanet 628, MedGen C0220726, MONDO:0009107, OMIM 222600.
Atelosteogenesis type II (AO2). Also called: NEONATAL OSSEOUS DYSPLASIA I; Neonatal osseous dysplasia 1; SLC26A2-Related Atelosteogenesis. Identifiers: Orphanet 56304, MedGen C1850554, MONDO:0009727, OMIM 256050.
Multiple epiphyseal dysplasia type 4 (EDM4). Also called: Multiple Epiphyseal Dysplasia, Recessive; MULTIPLE EPIPHYSEAL DYSPLASIA WITH BILAYERED PATELLAE; MULTIPLE EPIPHYSEAL DYSPLASIA WITH CLUBFOOT; MULTIPLE EPIPHYSEAL DYSPLASIA, AUTOSOMAL RECESSIVE; SLC26A2-Related Multiple Epiphyseal Dysplasia. Identifiers: Orphanet 93307, MedGen C1847593, MONDO:0009189, OMIM 226900.
Achondrogenesis, type IB (ACG1B). Also called: Achondrogenesis Type 1B. Identifiers: Orphanet 932, Orphanet 93298, MedGen C0265274, MONDO:0010966, OMIM 600972.

Submission:

Labcorp Genetics (formerly Invitae), Labcorp
Classification: Pathogenic for Atelosteogenesis type II; Multiple epiphyseal dysplasia type 4; Achondrogenesis, type IB; Diastrophic dysplasia. Last evaluated: 2022-05-06. Review status: criteria provided, single submitter. Criteria: Invitae Variant Classification Sherloc (09022015). Collection method: clinical testing. Allele origin: germline.
Comment: For these reasons, this variant has been classified as Pathogenic. This variant disrupts a region of the SLC26A2 protein in which other variant(s) (p.Thr627Leufs*23) have been determined to be pathogenic (Invitae). This suggests that this is a clinically significant region of the protein, and that variants that disrupt it are likely to be disease-causing. This variant has not been reported in the literature in individuals affected with SLC26A2-related conditions. This variant is not present in population databases (gnomAD no frequency). This sequence change creates a premature translational stop signal (p.Leu531Hisfs*54) in the SLC26A2 gene. While this is not anticipated to result in nonsense mediated decay, it is expected to disrupt the last 209 amino acid(s) of the SLC26A2 protein.

NM_000112.4(SLC26A2):c.1592del (p.Leu531fs)

Gene: SLC26A2 (solute carrier family 26 member 2; plus strand). Cytogenetic location: 5q32.
Variant type: Deletion.
Coding change: c.1592del on transcript NM_000112.4 (MANE Select); coding-DNA position 1592, one base deleted (T; older notation c.1592delT).
Protein change: p.Leu531fs; shifts the reading frame from leucine 531.
Molecular consequence: frameshift variant.
Genome position (GRCh38, 1-based): chr5:149,981,185, T deleted. VCF-style (leftmost placement, unchanged base first): chr5-149981184-CT-C. GRCh37 (hg19) VCF-style: chr5-149360747-CT-C.
Other names: short protein forms L531fs.
Identifiers: ClinVar variation 1412823 (VCV001412823.8), dbSNP rs2113698924, ClinGen allele CA2573139279.